The following is an entry in ClinVar:

NM_004329.3(BMPR1A):c.3_4insACTCAGCTATACATTTACATCAGATCTTTTACAAGAAAATCTCACTGAATGATAGTCATTTAAATTGGTGAAGTAGCAAGACCAATTATTAAAGGTGACAGTACACAGGAAACATTACAATTGAACAATG (p.Pro2delinsThrGlnLeuTyrIleTyrIleArgSerPheThrArgLysSerHisTer)

Gene: BMPR1A (bone morphogenetic protein receptor type 1A; plus strand). Cytogenetic location: 10q23.2.
Variant type: Insertion.
Coding change: c.3_4insACTCAGCTATACATTTACATCAGATCTTTTACAAGAAAATCTCACTGAATGATAGTCATTTAAATTGGTGAAGTAGCAAGACCAATTATTAAAGGTGACAGTACACAGGAAACATTACAATTGAACAATG on transcript NM_004329.3 (MANE Select); coding-DNA positions 3 to 4, ACTCAGCTATACATTTACATCAGATCTTTTACAAGAAAATCTCACTGAATGATAGTCATTTAAATTGGTGAAGTAGCAAGACCAATTATTAAAGGTGACAGTACACAGGAAACATTACAATTGAACAATG inserted.
Protein change: p.Pro2delinsThrGlnLeuTyrIleTyrIleArgSerPheThrArgLysSerHisTer.
Molecular consequence: nonsense, initiator codon variant. On other transcripts: 5 prime UTR variant (1), non-coding transcript variant (3), intron variant (4).
Genome position: GRCh38: chr10:86,876,021-86,876,022. GRCh37 (hg19): chr10:88,635,778-88,635,779.
Other names: c.3_4insACTCAGCTATACATTTACATCAGATCTTTTACAAGAAAATCTCACTGAATGATAGTCATTTAAATTGGTGAAGTAGCAAGACCAATTATTAAAGGTGACAGTACACAGGAAACATTACAATTGAACAATG, p.Pro2delinsThrGlnLeuTyrIleTyrIleArgSerPheThrArgLysSerHisTer (NM_001406575.1, NM_001406576.1, NM_001406577.1 and 23 more transcripts); c.-77_-76insACTCAGCTATACATTTACATCAGATCTTTTACAAGAAAATCTCACTGAATGATAGTCATTTAAATTGGTGAAGTAGCAAGACCAATTATTAAAGGTGACAGTACACAGGAAACATTACAATTGAACAATG (NM_001406588.1); c.-17-14041_-17-14040insACTCAGCTATACATTTACATCAGATCTTTTACAAGAAAATCTCACTGAATGATAGTCATTTAAATTGGTGAAGTAGCAAGACCAATTATTAAAGGTGACAGTACACAGGAAACATTACAATTGAACAATG (NM_001406584.1, NM_001406587.1, NM_001406585.1); c.-12-14046_-12-14045insACTCAGCTATACATTTACATCAGATCTTTTACAAGAAAATCTCACTGAATGATAGTCATTTAAATTGGTGAAGTAGCAAGACCAATTATTAAAGGTGACAGTACACAGGAAACATTACAATTGAACAATG (NM_001406586.1).
Identifiers: ClinVar variation 3647840 (VCV003647840.2).

ClinVar aggregate classification (germline): Pathogenic (1 of 4 stars; one submission).

Conditions:
Juvenile polyposis syndrome (JPS). Identifiers: Orphanet 2929, MedGen C0345893, MONDO:0017380, OMIM 174900.

Submission:

Labcorp Genetics (formerly Invitae), Labcorp
Classification: Pathogenic for Juvenile polyposis syndrome. Last evaluated: 2024-06-03. Review status: criteria provided, single submitter. Criteria: Invitae Variant Classification Sherloc (09022015). Collection method: clinical testing. Allele origin: germline.
Comment: This sequence change creates a premature translational stop signal (p.Pro2Thrfs*16) in the BMPR1A gene. It is expected to result in an absent or disrupted protein product. Loss-of-function variants in BMPR1A are known to be pathogenic (PMID: 11536076, 12417513). This variant is not present in population databases (gnomAD no frequency). This variant has not been reported in the literature in individuals affected with BMPR1A-related conditions. For these reasons, this variant has been classified as Pathogenic.

Literature cited by the submitters: PubMed 11536076; PubMed 12417513.